The following is an entry in ClinVar:

ClinVar aggregate classification (germline): Benign. Review status: criteria provided, multiple submitters, no conflicts (2 of 4 stars). 17 submissions from 17 submitters: Benign (14). 3 of the submissions do not count toward it. Last evaluated 2026-02-04.

Conditions:
Inborn genetic diseases. Identifiers: MedGen C0950123, MeSH D030342.
Fanconi anemia (FA). Also called: Fanconi's anemia. Identifiers: Orphanet 84, MedGen C0015625, MeSH D005199, MONDO:0019391.
Fanconi anemia complementation group A (FANCA). Also called: Fanconi anemia, group A; FANCA-Related Fanconi Anemia. Identifiers: Orphanet 84, MedGen C3469521, MONDO:0009215, OMIM 227650.
Malignant tumor of breast. Also called: Malignant breast neoplasm; Cancer breast. Identifiers: MedGen C0006142, MONDO:0007254. Disease mechanism: loss of function.

Allele frequency attached by ClinVar (database versions not stated): gnomAD exomes 0.45184 and 0.52081; ESP Exome Variant Server 0.50600; ExAC 0.51660; gnomAD 0.52564 and 0.53338; TOPMed 0.54688; 1000 Genomes Project 30x 0.68879; 1000 Genomes Project 0.69050.
gnomAD v4.1: 739,607 of 1,607,974 alleles (46%); highest among the groups gnomAD compares: East Asian, 98%; 184,200 homozygotes.

Submissions (17):

Labcorp Genetics (formerly Invitae), Labcorp
Classification: Benign for Fanconi anemia. Last evaluated: 2026-02-04. Review status: criteria provided, single submitter. Criteria: Invitae Variant Classification Sherloc (09022015). Collection method: clinical testing. Allele origin: germline.

Mayo Clinic Laboratories, Mayo Clinic
Classification: Benign. Last evaluated: 2025-07-29. Review status: criteria provided, single submitter. Criteria: ACMG Guidelines, 2015. Collection method: clinical testing. Allele origin: germline. Observed: 1,104 variant alleles.
Comment: BA1

ARUP Laboratories, Molecular Genetics and Genomics, ARUP Laboratories
Classification: Benign for Fanconi anemia complementation group A. Last evaluated: 2025-07-28. Review status: criteria provided, single submitter. Criteria: ARUP Molecular Germline Variant Investigation Process 2024. Collection method: clinical testing. Allele origin: germline.

GeneKor MSA
Classification: Benign for Fanconi anemia complementation group A. Last evaluated: 2025-07-10. Review status: criteria provided, single submitter. Criteria: ACMG Guidelines, 2015. Collection method: clinical testing. Allele origin: germline.

Blueprint Genetics
Classification: Benign. Last evaluated: 2024-11-27. Review status: criteria provided, single submitter. Criteria: ACMG Guidelines, 2015. Collection method: clinical testing. Allele origin: germline.

KCCC/NGS Laboratory, Kuwait Cancer Control Center
Classification: Benign for Fanconi anemia complementation group A. Last evaluated: 2023-07-07. Review status: criteria provided, single submitter. Criteria: ACMG Guidelines, 2015. Collection method: clinical testing. Allele origin: germline. Affected: yes.

Fulgent Genetics
Classification: Benign for Fanconi anemia complementation group A. Last evaluated: 2022-04-19. Review status: criteria provided, single submitter. Criteria: ACMG Guidelines, 2015. Collection method: clinical testing. Allele origin: unknown.

Women's Health and Genetics/Laboratory Corporation of America, LabCorp
Classification: Benign. Last evaluated: 2021-12-03. Review status: criteria provided, single submitter. Criteria: LabCorp Variant Classification Summary - May 2015. Collection method: clinical testing. Allele origin: germline.

Genome-Nilou Lab
Classification: Benign for Fanconi anemia complementation group A. Last evaluated: 2021-07-08. Review status: criteria provided, single submitter. Criteria: ACMG Guidelines, 2015. Collection method: clinical testing. Allele origin: germline. Affected: no.

Ambry Genetics
Classification: Benign for Inborn genetic diseases. Last evaluated: 2019-10-22. Review status: criteria provided, single submitter. Criteria: Ambry Variant Classification Scheme 2023. Collection method: clinical testing. Allele origin: germline.

GeneDx
Classification: Benign. Last evaluated: 2019-03-01. Review status: criteria provided, single submitter. Criteria: GeneDx Variant Classification Process June 2021. Collection method: clinical testing. Allele origin: germline. Affected: yes.
Comment: This variant is associated with the following publications: (PMID: 23021409, 24728327, 27153395)

Illumina Laboratory Services, Illumina
Classification: Benign for Fanconi anemia complementation group A. Last evaluated: 2018-01-12. Review status: criteria provided, single submitter. Criteria: ICSL Variant Classification Criteria 13 December 2019. Collection method: clinical testing. Allele origin: germline.
Comment: This variant was observed in the ICSL laboratory as part of a predisposition screen in an ostensibly healthy population. It had not been previously curated by ICSL or reported in the Human Gene Mutation Database (HGMD: prior to June 1st, 2018), and was therefore a candidate for classification through an automated scoring system. Utilizing variant allele frequency, disease prevalence and penetrance estimates, and inheritance mode, an automated score was calculated to assess if this variant is too frequent to cause the disease. Based on the score and internal cut-off values, a variant classified as benign is not then subjected to further curation. The score for this variant resulted in a classification of benign for this disease.

Breakthrough Genomics
Classification: Benign. Review status: criteria provided, single submitter. Criteria: ACMG Guidelines, 2015. Collection method: not provided. Allele origin: germline. Inheritance: Autosomal recessive inheritance. Affected: yes.

PreventionGenetics, part of Exact Sciences
Classification: Benign. Review status: criteria provided, single submitter. Criteria: ACMG Guidelines, 2015. Collection method: clinical testing. Allele origin: germline.

Natera, Inc.
Classification: Benign for Fanconi anemia, group A. Last evaluated: 2020-09-16. Review status: no assertion criteria provided. Collection method: clinical testing. Allele origin: germline. Not counted in ClinVar's aggregate classification.

ITMI
No classification provided. Condition: AllHighlyPenetrant. Last evaluated: 2013-09-19. Review status: no classification provided. Collection method: reference population. Allele origin: germline. Not counted in ClinVar's aggregate classification.
Comment: Please see associated publication for description of ethnicities

Center of Medical Genetics and Primary Health Care
Classification: Benign for Breast Cancer. Review status: no assertion criteria provided. Collection method: clinical testing. Allele origin: germline. Affected: yes. Not counted in ClinVar's aggregate classification.

Literature cited by the submitters: PubMed 24728327 (cited by ITMI).

NM_000135.4(FANCA):c.796A>G (p.Thr266Ala)

Gene: FANCA (FA complementation group A; minus strand). Cytogenetic location: 16q24.3.
Variant type: single nucleotide variant.
Coding change: c.796A>G on transcript NM_000135.4 (MANE Select); coding-DNA position 796, A replaced by G.
Protein change: p.Thr266Ala; replaces threonine 266 with alanine.
Molecular consequence: missense variant.
Genome position (GRCh38, 1-based): chr16:89,799,635, T>C on the plus strand (A>G on the coding strand, the complement: FANCA is on the minus strand). VCF-style: chr16-89799635-T-C. GRCh37 (hg19) VCF-style: chr16-89866043-T-C.
Other names: c.796A>G, p.Thr266Ala (NM_001018112.3, NM_001286167.3); c.700A>G, p.Thr234Ala (NM_001351830.2); c.796A>G (LRG_495t1, NM_000135.3); short protein forms T266A, T234A.
Identifiers: ClinVar variation 134294 (VCV000134294.40), dbSNP rs7190823, ClinGen allele CA159381.